The following is an entry in ClinVar:

ClinVar aggregate classification (germline): Pathogenic/Likely pathogenic. Review status: criteria provided, multiple submitters, no conflicts (2 of 4 stars). 3 submissions from 3 submitters: Pathogenic (2); Likely pathogenic (1). Last evaluated 2022-08-30.

Conditions:
KBG syndrome (KBGS). Also called: ANKRD11-Related KBG Syndrome. Identifiers: Orphanet 2332, MedGen C0220687, MONDO:0007846, OMIM 148050.

Submissions (3):

Institute of Human Genetics, University of Leipzig Medical Center
Classification: Pathogenic for KBG syndrome. Last evaluated: 2022-08-30. Review status: criteria provided, single submitter. Criteria: ACMG Guidelines, 2015. Collection method: clinical testing. Allele origin: de novo. Affected: yes.
Comment: This variant was identified as de novo (maternity and paternity confirmed)._x000D_ Criteria applied: PVS1, PS2_MOD, PS4_SUP, PM2_SUP

Medical Genetics Unit, Azienda USL-IRCCS di Reggio Emilia
Classification: Pathogenic for KBG syndrome. Last evaluated: 2022-07-27. Review status: criteria provided, single submitter. Criteria: ACMG Guidelines, 2015. Collection method: clinical testing. Allele origin: de novo. Affected: yes. Observed: 1 variant allele.
Comment: ACMG/AMP: PVS1,PS2,PM2

Department of Clinical Genetics, Copenhagen University Hospital, Rigshospitalet
Classification: Likely pathogenic for KBG syndrome. Last evaluated: 2021-08-01. Review status: criteria provided, single submitter. Criteria: ACMG Guidelines, 2015. Collection method: clinical testing. Allele origin: unknown. Affected: yes.

NM_013275.6(ANKRD11):c.3787_3788del (p.Glu1263fs)

Gene: ANKRD11 (ankyrin repeat domain 11; minus strand). Cytogenetic location: 16q24.3.
Variant type: Deletion.
Coding change: c.3787_3788del on transcript NM_013275.6 (MANE Select); coding-DNA positions 3787 to 3788, 2 bases deleted (GA; older notation c.3787_3788delGA).
Protein change: p.Glu1263fs; shifts the reading frame from glutamic acid 1263.
Molecular consequence: frameshift variant.
Genome position (GRCh38, 1-based): chr16:89,282,754-89,282,755, TC deleted on the plus strand (GA on the coding strand, the reverse complement: ANKRD11 is on the minus strand); deleting any 2 consecutive bases within chr16:89,282,754-89,282,756 gives the same sequence; the c. name uses the placement nearest the transcript's 3' end. VCF-style (leftmost placement, unchanged base first): chr16-89282753-TTC-T. GRCh37 (hg19) VCF-style: chr16-89349161-TTC-T.
Other names: c.3787_3788del, p.Glu1263fs (NM_001256182.2, NM_001256183.2); short protein forms E1263fs.
Identifiers: ClinVar variation 1679349 (VCV001679349.26), dbSNP rs2151753260, ClinGen allele CA2573152770.